The following is an entry in ClinVar:

ClinVar aggregate classification (germline): Uncertain significance (1 of 4 stars; one submission).

Conditions:
Immunodeficiency 104. Also called: SCID, AUTOSOMAL RECESSIVE, T CELL-NEGATIVE, B CELL-POSITIVE, NK CELL-POSITIVE; Severe combined immunodeficiency, autosomal recessive, T cell-negative, B cell-positive, NK cell-positive; IMMUNODEFICIENCY 104, SEVERE COMBINED; Severe Combined Immune Deficiency, Autosomal Recessive, TCell -Negative, B Cell-Positive, NK Cell-Positive, IL7R-Related. Identifiers: MedGen C5676890, MONDO:0012163, OMIM 608971.

Allele frequency attached by ClinVar (database versions not stated): TOPMed below 0.00001.

Submission:

Labcorp Genetics (formerly Invitae), Labcorp
Classification: Uncertain significance for Immunodeficiency 104. Last evaluated: 2022-09-01. Review status: criteria provided, single submitter. Criteria: Invitae Variant Classification Sherloc (09022015). Collection method: clinical testing. Allele origin: germline.
Comment: This sequence change replaces valine, which is neutral and non-polar, with alanine, which is neutral and non-polar, at codon 1143 of the PTPRC protein (p.Val1143Ala). This variant is not present in population databases (gnomAD no frequency). This variant has not been reported in the literature in individuals affected with PTPRC-related conditions. ClinVar contains an entry for this variant (Variation ID: 647856). Algorithms developed to predict the effect of missense changes on protein structure and function output the following: SIFT: "Tolerated"; PolyPhen-2: "Benign"; Align-GVGD: "Class C0". The alanine amino acid residue is found in multiple mammalian species, which suggests that this missense change does not adversely affect protein function. In summary, the available evidence is currently insufficient to determine the role of this variant in disease. Therefore, it has been classified as a Variant of Uncertain Significance.

NM_002838.5(PTPRC):c.3428T>C (p.Val1143Ala)

Gene: PTPRC (protein tyrosine phosphatase receptor type C; plus strand). Cytogenetic location: 1q32.1.
Variant type: single nucleotide variant.
Coding change: c.3428T>C on transcript NM_002838.5 (MANE Select); coding-DNA position 3428, T replaced by C.
Protein change: p.Val1143Ala; replaces valine 1143 with alanine.
Molecular consequence: missense variant.
Genome position (GRCh38, 1-based): chr1:198,752,691, T>C. VCF-style: chr1-198752691-T-C. GRCh37 (hg19) VCF-style: chr1-198721820-T-C.
Other names: c.2945T>C, p.Val982Ala (NM_080921.4); short protein forms V1143A, V982A.
Identifiers: ClinVar variation 647856 (VCV000647856.6), dbSNP rs758217317, ClinGen allele CA344054796.